The following is an entry in ClinVar:

ClinVar aggregate classification (germline): Uncertain significance (1 of 4 stars; one submission).

Conditions:
Jeune thoracic dystrophy. Also called: Jeune syndrome; Infantile thoracic dystrophy; Thoracic pelvic phalangeal dystrophy; Jeune's syndrome; Chondroectodermal dysplasia-like syndrome; Short-rib thoracic dysplasia. Identifiers: Orphanet 474, MedGen C0265275, MONDO:0018770.

Submission:

Labcorp Genetics (formerly Invitae), Labcorp
Classification: Uncertain significance for Jeune thoracic dystrophy. Last evaluated: 2024-09-08. Review status: criteria provided, single submitter. Criteria: Invitae Variant Classification Sherloc (09022015). Collection method: clinical testing. Allele origin: germline.
Comment: This sequence change replaces methionine, which is neutral and non-polar, with leucine, which is neutral and non-polar, at codon 2671 of the DYNC2H1 protein (p.Met2671Leu). This variant is not present in population databases (gnomAD no frequency). This variant has not been reported in the literature in individuals affected with DYNC2H1-related conditions. Invitae Evidence Modeling of protein sequence and biophysical properties (such as structural, functional, and spatial information, amino acid conservation, physicochemical variation, residue mobility, and thermodynamic stability) indicates that this missense variant is not expected to disrupt DYNC2H1 protein function with a negative predictive value of 95%. This variant disrupts the p.Met2671 amino acid residue in DYNC2H1. Other variant(s) that disrupt this residue have been determined to be pathogenic (PMID: 28518170, 29068549, 34529350). This suggests that this residue is clinically significant, and that variants that disrupt this residue are likely to be disease-causing. In summary, the available evidence is currently insufficient to determine the role of this variant in disease. Therefore, it has been classified as a Variant of Uncertain Significance.

Literature cited by the submitters: PubMed 28518170; PubMed 29068549; PubMed 34529350.

NM_001377.3(DYNC2H1):c.8011A>T (p.Met2671Leu)

Gene: DYNC2H1 (dynein cytoplasmic 2 heavy chain 1; plus strand). Cytogenetic location: 11q22.3.
Variant type: single nucleotide variant.
Coding change: c.8011A>T on transcript NM_001377.3 (MANE Select); coding-DNA position 8011, A replaced by T.
Protein change: p.Met2671Leu; replaces methionine 2671 with leucine.
Molecular consequence: missense variant.
Genome position (GRCh38, 1-based): chr11:103,199,399, A>T. VCF-style: chr11-103199399-A-T. GRCh37 (hg19) VCF-style: chr11-103070128-A-T.
Other names: c.8011A>T, p.Met2671Leu (NM_001080463.2); short protein forms M2671L.
Identifiers: ClinVar variation 3625336 (VCV003625336.1).